The following is an entry in ClinVar:

NM_007294.4(BRCA1):c.3016C>A (p.His1006Asn)

Gene: BRCA1 (BRCA1 DNA repair associated; minus strand). Cytogenetic location: 17q21.31.
Variant type: single nucleotide variant.
Coding change: c.3016C>A on transcript NM_007294.4 (MANE Select); coding-DNA position 3016, C replaced by A.
Protein change: p.His1006Asn; replaces histidine 1006 with asparagine.
Molecular consequence: missense variant. On other transcripts: intron variant (137).
Genome position (GRCh38, 1-based): chr17:43,092,515, G>T on the plus strand (C>A on the coding strand, the complement: BRCA1 is on the minus strand). VCF-style: chr17-43092515-G-T. GRCh37 (hg19) VCF-style: chr17-41244532-G-T.
Other names: c.3016C>A, p.His1006Asn (NM_001407624.1, NM_001407625.1, NM_001407626.1 and 30 more transcripts); c.3013C>A, p.His1005Asn (NM_001407630.1, NM_001407631.1, NM_001407633.1 and 22 more transcripts); c.2875C>A, p.His959Asn (NM_007297.4, NM_001407692.1, NM_001407694.1 and 29 more transcripts); c.647-1483C>A (NM_001408458.1, NM_001408469.1, NM_001408453.1 and 11 more transcripts); c.284-1483C>A (NM_001408512.1); c.407-1483C>A (NM_001408510.1); c.644-1483C>A (NM_001408470.1, NM_001408464.1, NM_001408468.1 and 3 more transcripts); c.785-1483C>A (NM_001408397.1, NM_001408401.1, NM_001408396.1 and 13 more transcripts); and 41 more; short protein forms H838N, H878N, H879N, H894N, H918N, H959N, H980N, H1003N.
Identifiers: ClinVar variation 1798857 (VCV001798857.5), dbSNP rs2154347039, ClinGen allele CA10595962.

ClinVar aggregate classification (germline): Conflicting classifications of pathogenicity. Review status: criteria provided, conflicting classifications (1 of 4 stars). 2 submissions from 2 submitters: Uncertain significance (1); Likely benign (1). Last evaluated 2023-06-17.

Conditions:
Hereditary cancer-predisposing syndrome. Also called: Neoplastic Syndromes, Hereditary; Tumor predisposition; Hereditary Cancer Syndrome; Hereditary neoplastic syndrome. Identifiers: Orphanet 140162, MedGen C0027672, MeSH D009386, MONDO:0015356.

Submissions (2):

Ambry Genetics
Classification: Uncertain significance for Hereditary cancer-predisposing syndrome. Last evaluated: 2023-06-17. Review status: criteria provided, single submitter. Criteria: Ambry Variant Classification Scheme 2023. Collection method: clinical testing. Allele origin: germline.
Comment: The p.H1006N variant (also known as c.3016C>A), located in coding exon 9 of the BRCA1 gene, results from a C to A substitution at nucleotide position 3016. The histidine at codon 1006 is replaced by asparagine, an amino acid with similar properties. This amino acid position is not well conserved in available vertebrate species. In addition, this alteration is predicted to be tolerated by in silico analysis. Since supporting evidence is limited at this time, the clinical significance of this alteration remains unclear.

University of Washington Department of Laboratory Medicine, University of Washington
Classification: Likely benign for Hereditary cancer-predisposing syndrome. Last evaluated: 2023-03-23. Review status: criteria provided, single submitter. Criteria: Dines et al. (Genet Med. 2020). Collection method: curation. Allele origin: germline.
Comment: Missense variant in a coldspot region where missense variants are very unlikely to be pathogenic (PMID:31911673).

BRCA1 coldspot (exon 11 using historical exon numbering). Reclassification based on statistical prior probability